The following is an entry in ClinVar:

ClinVar aggregate classification (germline): Uncertain significance (1 of 4 stars; one submission).

Conditions:
Werner syndrome (WRN). Identifiers: Orphanet 902, MedGen C0043119, MONDO:0010196, OMIM 277700.

Allele frequency attached by ClinVar (database versions not stated): gnomAD exomes below 0.00001; gnomAD 0.00001; TOPMed 0.00001.

Submission:

Labcorp Genetics (formerly Invitae), Labcorp
Classification: Uncertain significance for Werner syndrome. Last evaluated: 2019-02-26. Review status: criteria provided, single submitter. Criteria: Invitae Variant Classification Sherloc (09022015). Collection method: clinical testing. Allele origin: germline.
Comment: This sequence change replaces valine with phenylalanine at codon 552 of the WRN protein (p.Val552Phe). The valine residue is highly conserved and there is a small physicochemical difference between valine and phenylalanine. This variant is not present in population databases (ExAC no frequency). This variant has not been reported in the literature in individuals with WRN-related conditions. Algorithms developed to predict the effect of missense changes on protein structure and function are either unavailable or do not agree on the potential impact of this missense change (SIFT: Tolerated; PolyPhen-2: Probably Damaging; Align-GVGD: Class C0). In summary, the available evidence is currently insufficient to determine the role of this variant in disease. Therefore, it has been classified as a Variant of Uncertain Significance.

NM_000553.6(WRN):c.1654G>T (p.Val552Phe)

Gene: WRN (WRN RecQ like helicase; plus strand). Cytogenetic location: 8p12.
Variant type: single nucleotide variant.
Coding change: c.1654G>T on transcript NM_000553.6 (MANE Select); coding-DNA position 1654, G replaced by T.
Protein change: p.Val552Phe; replaces valine 552 with phenylalanine.
Molecular consequence: missense variant.
Genome position (GRCh38, 1-based): chr8:31,090,466, G>T. VCF-style: chr8-31090466-G-T. GRCh37 (hg19) VCF-style: chr8-30947982-G-T.
Other names: short protein forms V552F.
Identifiers: ClinVar variation 851314 (VCV000851314.2), dbSNP rs1250329020, ClinGen allele CA370926734.